The following is an entry in ClinVar:

NM_014415.4(ZBTB11):c.2652G>A (p.Lys884=)

Gene: ZBTB11 (zinc finger and BTB domain containing 11; minus strand). Cytogenetic location: 3q12.3.
Variant type: single nucleotide variant.
Coding change: c.2652G>A on transcript NM_014415.4 (MANE Select); coding-DNA position 2652, G replaced by A.
Protein change: p.Lys884=; no amino-acid change (lysine 884 retained).
Molecular consequence: synonymous variant.
Genome position (GRCh38, 1-based): chr3:101,651,676, C>T on the plus strand (G>A on the coding strand, the complement: ZBTB11 is on the minus strand). VCF-style: chr3-101651676-C-T. GRCh37 (hg19) VCF-style: chr3-101370520-C-T.
Identifiers: ClinVar variation 3905723 (VCV003905723.10).
Genomic context (GRCh38, chr3:101,651,676, plus strand): 5'-ATGGCGTTTTAGAGATCGGGCATCAGCCCAAGCTACTCCACATGTTAAGCACTCAAATGG[C>T]TTAACTCCTAAAAAAAAAAAAAAAAAAGCATGTGTAGTGAGGTGCAAGCACCAAAATATA-3'
Protein context (NP_055230.2, residues 874-894): RRHMNNHEGV[Lys884=]PFECLTCGVA

ClinVar aggregate classification (germline): Likely benign (1 of 4 stars; one submission).

Submission:

CeGaT Center for Human Genetics Tuebingen
Classification: Likely benign. Last evaluated: 2025-06-01. Review status: criteria provided, single submitter. Criteria: CeGaT Center For Human Genetics Tuebingen Variant Classification Criteria Version 2. Collection method: clinical testing. Allele origin: germline. Affected: yes. Observed: 1 variant allele.
Comment: ZBTB11: BP4, BP7